The following is an entry in ClinVar:

ClinVar aggregate classification (germline): Uncertain significance (1 of 4 stars; one submission).

Allele frequency attached by ClinVar (database versions not stated): gnomAD exomes below 0.00001; gnomAD 0.00001; ExAC 0.00002.
gnomAD v4.1: 4 of 1,612,862 alleles (0.00025%); highest among the groups gnomAD compares: South Asian, 0.0044%; no homozygotes.

Submission:

Labcorp Genetics (formerly Invitae), Labcorp
Classification: Uncertain significance. Last evaluated: 2025-01-15. Review status: criteria provided, single submitter. Criteria: Invitae Variant Classification Sherloc (09022015). Collection method: clinical testing. Allele origin: germline.
Comment: This sequence change replaces valine, which is neutral and non-polar, with methionine, which is neutral and non-polar, at codon 112 of the SCP2 protein (p.Val112Met). This variant is present in population databases (rs780545021, gnomAD 0.006%). This variant has not been reported in the literature in individuals affected with SCP2-related conditions. ClinVar contains an entry for this variant (Variation ID: 2131467). An algorithm developed to predict the effect of missense changes on protein structure and function outputs the following: PolyPhen-2: "Benign". The methionine amino acid residue is found in multiple mammalian species, which suggests that this missense change does not adversely affect protein function. In summary, the available evidence is currently insufficient to determine the role of this variant in disease. Therefore, it has been classified as a Variant of Uncertain Significance.

NM_002979.5(SCP2):c.334G>A (p.Val112Met)

Gene: SCP2 (sterol carrier protein 2; plus strand). Cytogenetic location: 1p32.3.
Variant type: single nucleotide variant.
Coding change: c.334G>A on transcript NM_002979.5 (MANE Select); coding-DNA position 334, G replaced by A.
Protein change: p.Val112Met; replaces valine 112 with methionine.
Molecular consequence: missense variant.
Genome position (GRCh38, 1-based): chr1:52,954,742, G>A. VCF-style: chr1-52954742-G-A. GRCh37 (hg19) VCF-style: chr1-53420414-G-A.
Other names: c.202G>A, p.Val68Met (NM_001007098.3, NM_001193600.2); c.262G>A, p.Val88Met (NM_001193599.2); c.91G>A, p.Val31Met (NM_001193617.2); c.334G>A, p.Val112Met (NM_001330587.2); short protein forms V112M, V31M, V68M, V88M.
Identifiers: ClinVar variation 2131467 (VCV002131467.3), dbSNP rs780545021, ClinGen allele CA857085.